The following is an entry in ClinVar:

NM_014014.5(SNRNP200):c.1716CCA[1] (p.His573del)

Gene: SNRNP200 (small nuclear ribonucleoprotein U5 subunit 200; minus strand). Cytogenetic location: 2q11.2.
Variant type: Microsatellite.
Coding change: c.1716CCA[1] on transcript NM_014014.5 (MANE Select); one copy of the 3-base unit CCA starting at c.1716; the reference has two copies in a row; one copy, 3 bases deleted.
Protein change: p.His573del; deletes histidine 573.
Molecular consequence: inframe deletion.
Genome position (GRCh38, 1-based): chr2:96,295,609-96,295,611, TGG deleted on the plus strand (CCA on the coding strand, the reverse complement: SNRNP200 is on the minus strand); deleting any 3 consecutive bases within chr2:96,295,609-96,295,615 gives the same sequence; the position shown is the placement nearest the transcript's 3' end. VCF-style (leftmost placement, unchanged base first): chr2-96295608-CTGG-C. GRCh37 (hg19) VCF-style: chr2-96961346-CTGG-C.
Other names: short protein forms H573del.
Identifiers: ClinVar variation 1009445 (VCV001009445.8), dbSNP rs2063912076, ClinGen allele CA1272544552.
Genomic context (GRCh38, chr2:96,295,608, plus strand): 5'-GTCCCACTTCTCGGGGGTGCAGACGATGATCTGAGTGGCACTGATCTCTTCTTTGCACAG[CTGG>C]TGGTCCCCAGTCAGTTCAGCAACAGTGATGCCATAAGTGGCCAGGCGCTGTGGGAGGAAA-3'

ClinVar aggregate classification (germline): Uncertain significance (1 of 4 stars; one submission).

Submission:

Labcorp Genetics (formerly Invitae), Labcorp
Classification: Uncertain significance. Last evaluated: 2023-11-27. Review status: criteria provided, single submitter. Criteria: Invitae Variant Classification Sherloc (09022015). Collection method: clinical testing. Allele origin: germline.
Comment: This variant, c.1719_1721del, results in the deletion of 1 amino acid(s) of the SNRNP200 protein (p.His573del), but otherwise preserves the integrity of the reading frame. This variant is not present in population databases (gnomAD no frequency). This variant has not been reported in the literature in individuals affected with SNRNP200-related conditions. Experimental studies and prediction algorithms are not available or were not evaluated, and the functional significance of this variant is currently unknown. In summary, the available evidence is currently insufficient to determine the role of this variant in disease. Therefore, it has been classified as a Variant of Uncertain Significance.